The following is an entry in ClinVar:

ClinVar aggregate classification (germline): Likely benign. Review status: criteria provided, multiple submitters, no conflicts (2 of 4 stars). 2 submissions from 2 submitters: Likely benign (2). Last evaluated 2025-03-01.

Submissions (2):

CeGaT Center for Human Genetics Tuebingen
Classification: Likely benign. Last evaluated: 2025-03-01. Review status: criteria provided, single submitter. Criteria: CeGaT Center For Human Genetics Tuebingen Variant Classification Criteria Version 2. Collection method: clinical testing. Allele origin: germline. Affected: yes. Observed: 1 variant allele.
Comment: IRF2BPL: BP4, BP7

Blueprint Genetics
Classification: Likely benign. Last evaluated: 2024-11-13. Review status: criteria provided, single submitter. Criteria: ACMG Guidelines, 2015. Collection method: clinical testing. Allele origin: germline.

NM_024496.4(IRF2BPL):c.594C>T (p.Gly198=)

Gene: IRF2BPL (interferon regulatory factor 2 binding protein like; minus strand). Cytogenetic location: 14q24.3.
Variant type: single nucleotide variant.
Coding change: c.594C>T on transcript NM_024496.4 (MANE Select); coding-DNA position 594, C replaced by T.
Protein change: p.Gly198=; no amino-acid change (glycine 198 retained).
Molecular consequence: synonymous variant.
Genome position (GRCh38, 1-based): chr14:77,027,199, G>A on the plus strand (C>T on the coding strand, the complement: IRF2BPL is on the minus strand). VCF-style: chr14-77027199-G-A. GRCh37 (hg19) VCF-style: chr14-77493542-G-A.
Identifiers: ClinVar variation 3778274 (VCV003778274.8).